The following is an entry in ClinVar:

ClinVar aggregate classification (germline): Likely benign (0 of 4 stars; one submission).

Conditions:
SLC25A5-related disorder. Also called: SLC25A5-related condition.

Allele frequency attached by ClinVar (database versions not stated): ExAC 0.00346.

Submission:

PreventionGenetics, part of Exact Sciences
Classification: Likely benign for SLC25A5-related condition. Last evaluated: 2019-03-15. Review status: no assertion criteria provided. Collection method: clinical testing. Allele origin: germline.
Comment: This variant is classified as likely benign based on ACMG/AMP sequence variant interpretation guidelines (Richards et al. 2015 PMID: 25741868, with internal and published modifications).

NM_001152.5(SLC25A5):c.156A>G (p.Lys52=)

Gene: SLC25A5 (solute carrier family 25 member 5; plus strand). Cytogenetic location: Xq24.
Variant type: single nucleotide variant.
Coding change: c.156A>G on transcript NM_001152.5 (MANE Select); coding-DNA position 156, A replaced by G.
Protein change: p.Lys52=; no amino-acid change (lysine 52 retained).
Molecular consequence: synonymous variant.
Genome position (GRCh38, 1-based): chrX:119,469,705, A>G. VCF-style: chrX-119469705-A-G. GRCh37 (hg19) VCF-style: chrX-118603668-A-G.
Identifiers: ClinVar variation 3033285 (VCV003033285.2), dbSNP rs113618375, ClinGen allele CA10502034.